The following is an entry in ClinVar:

ClinVar aggregate classification (germline): Uncertain significance. Review status: criteria provided, multiple submitters, no conflicts (2 of 4 stars). 3 submissions from 3 submitters: Uncertain significance (3). Last evaluated 2023-06-22.

Conditions:
Emery-Dreifuss muscular dystrophy 4, autosomal dominant (EDMD4). Also called: EMERY-DREIFUSS MUSCULAR DYSTROPHY 4 WITH VARIABLE FEATURES. Identifiers: Orphanet 261, MedGen C2751807, MONDO:0013071, OMIM 612998.
Autosomal recessive ataxia, Beauce type. Also called: Spinocerebellar ataxia, autosomal recessive 8; ATAXIA, RECESSIVE, OF BEAUCE; SYNE1-Related Autosomal Recessive Cerebellar Ataxia; SYNE1 Deficiency. Identifiers: Orphanet 88644, MedGen C1853116, MONDO:0012549, OMIM 610743.

Allele frequency attached by ClinVar (database versions not stated): gnomAD 0.00001 and 0.00002; gnomAD exomes 0.00001; TOPMed 0.00004.
gnomAD v4.1: 12 of 1,613,544 alleles (0.00074%); highest among the groups gnomAD compares: East Asian, 0.0067%; no homozygotes.

Submissions (3):

Athena Diagnostics
Classification: Uncertain significance. Last evaluated: 2023-06-22. Review status: criteria provided, single submitter. Criteria: Athena Diagnostics Criteria. Collection method: clinical testing. Allele origin: unknown.
Comment: Available data are insufficient to determine the clinical significance of the variant at this time. The frequency of this variant in the general population is uninformative in assessment of its pathogenicity. Computational tools predict that this variant is damaging.

Labcorp Genetics (formerly Invitae), Labcorp
Classification: Uncertain significance for Emery-Dreifuss muscular dystrophy 4, autosomal dominant; Autosomal recessive ataxia, Beauce type. Last evaluated: 2022-03-12. Review status: criteria provided, single submitter. Criteria: Invitae Variant Classification Sherloc (09022015). Collection method: clinical testing. Allele origin: germline.
Comment: This sequence change replaces isoleucine, which is neutral and non-polar, with threonine, which is neutral and polar, at codon 92 of the SYNE1 protein (p.Ile92Thr). This variant is present in population databases (no rsID available, gnomAD 0.006%). This variant has not been reported in the literature in individuals affected with SYNE1-related conditions. ClinVar contains an entry for this variant (Variation ID: 450784). Algorithms developed to predict the effect of missense changes on protein structure and function are either unavailable or do not agree on the potential impact of this missense change (SIFT: "Deleterious"; PolyPhen-2: "Possibly Damaging"; Align-GVGD: "Class C0"). In summary, the available evidence is currently insufficient to determine the role of this variant in disease. Therefore, it has been classified as a Variant of Uncertain Significance.

GeneDx
Classification: Uncertain significance. Last evaluated: 2017-07-31. Review status: criteria provided, single submitter. Criteria: GeneDx Variant Classification (06012015). Collection method: clinical testing. Allele origin: germline. Affected: yes.
Comment: The I92T variant has not been published as a pathogenic variant, nor has it been reported as a benign variant to our knowledge. The I92T variant is not observed in large population cohorts (Lek et al., 2016; 1000 Genomes Consortium et al., 2015; Exome Variant Server). This variant is a non-conservative amino acid substitution, which is likely to impact secondary protein structure as these residues differ in polarity, charge, size and/or other properties. This substitution occurs at a position that is conserved across species, and in silico analysis predicts this variant is probably damaging to the protein structure/function. However, missense variants in nearby residues have not been reported in the Human Gene Mutation Database in association with SYNE1-related disorders (Stenson et al., 2014).

NM_182961.4(SYNE1):c.275T>C (p.Ile92Thr)

Gene: SYNE1 (spectrin repeat containing nuclear envelope protein 1; minus strand). Cytogenetic location: 6q25.2.
Variant type: single nucleotide variant.
Coding change: c.275T>C on transcript NM_182961.4 (MANE Select); coding-DNA position 275, T replaced by C.
Protein change: p.Ile92Thr; replaces isoleucine 92 with threonine.
Molecular consequence: missense variant.
Genome position (GRCh38, 1-based): chr6:152,520,493, A>G on the plus strand (T>C on the coding strand, the complement: SYNE1 is on the minus strand). VCF-style: chr6-152520493-A-G. GRCh37 (hg19) VCF-style: chr6-152841628-A-G.
Other names: c.275T>C, p.Ile92Thr (NM_033071.5); c.275T>C (NM_182961.2); short protein forms I92T.
Identifiers: ClinVar variation 450784 (VCV000450784.8), dbSNP rs1007703591, ClinGen allele CA150208280.